The following is an entry in ClinVar:

NM_198576.4(AGRN):c.2182G>A (p.Glu728Lys)

Gene: AGRN (agrin; plus strand). Cytogenetic location: 1p36.33.
Variant type: single nucleotide variant.
Coding change: c.2182G>A on transcript NM_198576.4 (MANE Select); coding-DNA position 2182, G replaced by A.
Protein change: p.Glu728Lys; replaces glutamic acid 728 with lysine.
Molecular consequence: missense variant.
Genome position (GRCh38, 1-based): chr1:1,044,367, G>A. VCF-style: chr1-1044367-G-A. GRCh37 (hg19) VCF-style: chr1-979747-G-A.
Other names: c.2182G>A, p.Glu728Lys (NM_001305275.2); c.1867G>A, p.Glu623Lys (NM_001364727.2); short protein forms E728K, E623K.
Identifiers: ClinVar variation 541159 (VCV000541159.9), dbSNP rs757879583, ClinGen allele CA508514.

ClinVar aggregate classification (germline): Uncertain significance (1 of 4 stars; one submission).

Conditions:
Congenital myasthenic syndrome 8. Also called: MYASTHENIC SYNDROME, CONGENITAL, DUE TO AGRIN DEFICIENCY; Myasthenic syndrome, congenital, 8, with pre- and postsynaptic defects. Identifiers: Orphanet 590, MedGen C3808739, MONDO:0014052, OMIM 615120.

Allele frequency attached by ClinVar (database versions not stated): gnomAD exomes 0.00001 and 0.00002; ExAC 0.00004; gnomAD 0.00007 and 0.00008; TOPMed 0.00009.
gnomAD v4.1: 29 of 1,612,634 alleles (0.0018%); highest among the groups gnomAD compares: African/African-American, 0.016%; no homozygotes.

Submission:

Labcorp Genetics (formerly Invitae), Labcorp
Classification: Uncertain significance for Congenital myasthenic syndrome 8. Last evaluated: 2025-09-19. Review status: criteria provided, single submitter. Criteria: Invitae Variant Classification Sherloc (09022015). Collection method: clinical testing. Allele origin: germline.
Comment: This sequence change replaces glutamic acid, which is acidic and polar, with lysine, which is basic and polar, at codon 728 of the AGRN protein (p.Glu728Lys). This variant is present in population databases (rs757879583, gnomAD 0.01%). This variant has not been reported in the literature in individuals affected with AGRN-related conditions. ClinVar contains an entry for this variant (Variation ID: 541159). An algorithm developed to predict the effect of missense changes on protein structure and function (PolyPhen-2) suggests that this variant is likely to be disruptive. In summary, the available evidence is currently insufficient to determine the role of this variant in disease. Therefore, it has been classified as a Variant of Uncertain Significance.